The following is an entry in ClinVar:

NM_030762.3(BHLHE41):c.1281CGC[5] (p.Ala431_Thr432insAla)

Genes: BHLHE41 (basic helix-loop-helix family member e41; minus strand), SSPN (sarcospan; plus strand). Cytogenetic location: 12p12.1.
Variant type: Microsatellite.
Coding change: c.1281CGC[5] on transcript NM_030762.3 (MANE Select); five copies in a row of the 3-base unit CGC starting at c.1281; the reference has four copies in a row; one copy, 3 bases duplicated.
Protein change: p.Ala431_Thr432insAla.
Genome position (GRCh38, 1-based): chr12:26,122,223-26,122,225, GCG duplicated on the plus strand (CGC on the coding strand, the reverse complement: BHLHE41 is on the minus strand); duplicating any 3 consecutive bases within chr12:26,122,223-26,122,234 gives the same sequence; the position shown is the placement nearest the transcript's 3' end. VCF-style (leftmost placement, unchanged base first): chr12-26122222-C-CGCG. GRCh37 (hg19) VCF-style: chr12-26275155-C-CGCG.
Identifiers: ClinVar variation 3046119 (VCV003046119.2), dbSNP rs1375835308, ClinGen allele CA479108124.
Genomic context (GRCh38, chr12:26,122,222, plus strand): 5'-GCCGTGCGGGTGCTGGGGGTGCGGCGCCCCAAGGGGCGCCACCTCGTGCGGCAGGAGGGT[C>CGCG]GCGGCGGCGGCGCCCGCCTTCTCGGGAGGGGGCGACAACACCGAGGACAGGCAGGGGAAC-3'

ClinVar aggregate classification (germline): Likely benign (0 of 4 stars; one submission).

Conditions:
BHLHE41-related disorder. Also called: BHLHE41-related condition.

Submission:

PreventionGenetics, part of Exact Sciences
Classification: Likely benign for BHLHE41-related condition. Last evaluated: 2023-05-22. Review status: no assertion criteria provided. Collection method: clinical testing. Allele origin: germline.
Comment: This variant is classified as likely benign based on ACMG/AMP sequence variant interpretation guidelines (Richards et al. 2015 PMID: 25741868, with internal and published modifications).